The following is an entry in ClinVar:

NM_025132.4(WDR19):c.3601T>G (p.Cys1201Gly)

Gene: WDR19 (WD repeat domain 19; plus strand). Cytogenetic location: 4p14.
Variant type: single nucleotide variant.
Coding change: c.3601T>G on transcript NM_025132.4 (MANE Select); coding-DNA position 3601, T replaced by G.
Protein change: p.Cys1201Gly; replaces cysteine 1201 with glycine.
Molecular consequence: missense variant.
Genome position (GRCh38, 1-based): chr4:39,274,843, T>G. VCF-style: chr4-39274843-T-G. GRCh37 (hg19) VCF-style: chr4-39276463-T-G.
Other names: c.3121T>G, p.Cys1041Gly (NM_001317924.2); short protein forms C1041G, C1201G.
Identifiers: ClinVar variation 3748660 (VCV003748660.2).

ClinVar aggregate classification (germline): Uncertain significance (1 of 4 stars; one submission).

Conditions:
Asphyxiating thoracic dystrophy 5 (SRTD5). Also called: SHORT-RIB THORACIC DYSPLASIA 5 WITH OR WITHOUT POLYDACTYLY; SHORT-RIB THORACIC DYSPLASIA 5 WITHOUT POLYDACTYLY. Identifiers: Orphanet 474, MedGen C3280598, MONDO:0013717, OMIM 614376.
Senior-Loken syndrome 8 (SLSN8). Identifiers: Orphanet 3156, MedGen C4225376, MONDO:0014579, OMIM 616307.

Submission:

Labcorp Genetics (formerly Invitae), Labcorp
Classification: Uncertain significance for Senior-Loken syndrome 8; Asphyxiating thoracic dystrophy 5. Last evaluated: 2024-05-26. Review status: criteria provided, single submitter. Criteria: Invitae Variant Classification Sherloc (09022015). Collection method: clinical testing. Allele origin: germline.
Comment: This sequence change replaces cysteine, which is neutral and slightly polar, with glycine, which is neutral and non-polar, at codon 1201 of the WDR19 protein (p.Cys1201Gly). This variant is not present in population databases (gnomAD no frequency). This variant has not been reported in the literature in individuals affected with WDR19-related conditions. Advanced modeling of protein sequence and biophysical properties (such as structural, functional, and spatial information, amino acid conservation, physicochemical variation, residue mobility, and thermodynamic stability) has been performed at Invitae for this missense variant, however the output from this modeling did not meet the statistical confidence thresholds required to predict the impact of this variant on WDR19 protein function. In summary, the available evidence is currently insufficient to determine the role of this variant in disease. Therefore, it has been classified as a Variant of Uncertain Significance.